The following is an entry in ClinVar:

NM_015404.4(WHRN):c.2294G>C (p.Gly765Ala)

Gene: WHRN (whirlin; minus strand). Cytogenetic location: 9q32.
Variant type: single nucleotide variant.
Coding change: c.2294G>C on transcript NM_015404.4 (MANE Select); coding-DNA position 2294, G replaced by C.
Protein change: p.Gly765Ala; replaces glycine 765 with alanine.
Molecular consequence: missense variant.
Genome position (GRCh38, 1-based): chr9:114,404,020, C>G on the plus strand (G>C on the coding strand, the complement: WHRN is on the minus strand). VCF-style: chr9-114404020-C-G. GRCh37 (hg19) VCF-style: chr9-117166300-C-G.
Other names: c.1145G>C, p.Gly382Ala (NM_001083885.3); c.2291G>C, p.Gly764Ala (NM_001173425.2); c.1241G>C, p.Gly414Ala (NM_001346890.1); short protein forms G382A, G414A, G764A, G765A.
Identifiers: ClinVar variation 4537934 (VCV004537934.1).

ClinVar aggregate classification (germline): Uncertain significance (1 of 4 stars; one submission).

Submission:

GeneDx
Classification: Uncertain significance. Last evaluated: 2025-06-10. Review status: criteria provided, single submitter. Criteria: GeneDx Variant Classification Process June 2021. Collection method: clinical testing. Allele origin: germline. Affected: yes.
Comment: Not observed at significant frequency in large population cohorts (gnomAD); In silico analysis suggests that this missense variant does not alter protein structure/function; Has not been previously published as pathogenic or benign to our knowledge